The following is an entry in ClinVar:

ClinVar aggregate classification (germline): Uncertain significance. Review status: criteria provided, multiple submitters, no conflicts (2 of 4 stars). 3 submissions from 3 submitters: Uncertain significance (3). Last evaluated 2025-09-15.

Conditions:
Inborn genetic diseases. Identifiers: MedGen C0950123, MeSH D030342.

gnomAD v4.1: 22 of 1,611,366 alleles (0.0014%); highest among the groups gnomAD compares: East Asian, 0.049%; no homozygotes.

Submissions (3):

Labcorp Genetics (formerly Invitae), Labcorp
Classification: Uncertain significance. Last evaluated: 2025-09-15. Review status: criteria provided, single submitter. Criteria: Invitae Variant Classification Sherloc (09022015). Collection method: clinical testing. Allele origin: germline.
Comment: This sequence change replaces proline, which is neutral and non-polar, with arginine, which is basic and polar, at codon 35 of the DDX41 protein (p.Pro35Arg). This variant is not present in population databases (gnomAD no frequency). This missense change has been observed in individual(s) with clinical features of DDX41-related conditions (PMID: 36322930). ClinVar contains an entry for this variant (Variation ID: 2980765). An algorithm developed to predict the effect of missense changes on protein structure and function (PolyPhen-2) suggests that this variant is likely to be disruptive. In summary, the available evidence is currently insufficient to determine the role of this variant in disease. Therefore, it has been classified as a Variant of Uncertain Significance.

Ambry Genetics
Classification: Uncertain significance for Inborn genetic diseases. Last evaluated: 2025-03-15. Review status: criteria provided, single submitter. Criteria: Ambry Variant Classification Scheme 2023. Collection method: clinical testing. Allele origin: germline.
Comment: The p.P35R variant (also known as c.104C>G), located in coding exon 2 of the DDX41 gene, results from a C to G substitution at nucleotide position 104. The proline at codon 35 is replaced by arginine, an amino acid with dissimilar properties. This amino acid position is highly conserved in available vertebrate species. In addition, the in silico prediction for this alteration is inconclusive. Based on the available evidence, the clinical significance of this variant remains unclear.

Blueprint Genetics
Classification: Uncertain significance. Last evaluated: 2022-08-18. Review status: criteria provided, single submitter. Criteria: ACMG Guidelines, 2015. Collection method: clinical testing. Allele origin: germline.

Literature cited by the submitters: PubMed 36322930 (cited by Labcorp Genetics (formerly Invitae), Labcorp).

NM_016222.4(DDX41):c.104C>G (p.Pro35Arg)

Gene: DDX41 (DEAD-box helicase 41; minus strand). Cytogenetic location: 5q35.3.
Variant type: single nucleotide variant.
Coding change: c.104C>G on transcript NM_016222.4 (MANE Select); coding-DNA position 104, C replaced by G.
Protein change: p.Pro35Arg; replaces proline 35 with arginine.
Molecular consequence: missense variant. On other transcripts: 5 prime UTR variant (2).
Genome position (GRCh38, 1-based): chr5:177,516,759, G>C on the plus strand (C>G on the coding strand, the complement: DDX41 is on the minus strand). VCF-style: chr5-177516759-G-C. GRCh37 (hg19) VCF-style: chr5-176943760-G-C.
Other names: c.-552C>G (NM_001321732.2); c.-344C>G (NM_001321830.2); c.104C>G (NM_016222.2); short protein forms P35R.
Identifiers: ClinVar variation 2980765 (VCV002980765.5), dbSNP rs984823447, ClinGen allele CA362377792.